The following is an entry in ClinVar:

NM_000051.4(ATM):c.6028A>G (p.Arg2010Gly)

Genes: ATM (ATM serine/threonine kinase; plus strand), C11orf65 (chromosome 11 open reading frame 65; minus strand). Cytogenetic location: 11q22.3.
Variant type: single nucleotide variant.
Coding change: c.6028A>G on transcript NM_000051.4 (MANE Select); coding-DNA position 6028, A replaced by G.
Protein change: p.Arg2010Gly; replaces arginine 2010 with glycine.
Molecular consequence: missense variant. On other transcripts: intron variant (2).
Genome position (GRCh38, 1-based): chr11:108,315,844, A>G. VCF-style: chr11-108315844-A-G. GRCh37 (hg19) VCF-style: chr11-108186571-A-G.
Other names: c.6028A>G, p.Arg2010Gly (NM_001351834.2); c.641-6773T>C (NM_001330368.2); c.*39-6773T>C (NM_001351110.2); short protein forms R2010G.
Identifiers: ClinVar variation 1492187 (VCV001492187.7), dbSNP rs2136118563, ClinGen allele CA382549872.

ClinVar aggregate classification (germline): Uncertain significance (1 of 4 stars; one submission).

Conditions:
Ataxia-telangiectasia syndrome (AT). Also called: LOUIS-BAR SYNDROME; Cerebello-oculocutaneous telangiectasia; Immunodeficiency with ataxia telangiectasia; Ataxia telangiectasia (A-T); Ataxia-telangiectasia, complementation group D; AT, COMPLEMENTATION GROUP C. Identifiers: Orphanet 100, MedGen C0004135, MONDO:0008840, OMIM 208900.

Submission:

Labcorp Genetics (formerly Invitae), Labcorp
Classification: Uncertain significance for Ataxia-telangiectasia syndrome. Last evaluated: 2025-03-03. Review status: criteria provided, single submitter. Criteria: Invitae Variant Classification Sherloc (09022015). Collection method: clinical testing. Allele origin: germline.
Comment: This sequence change replaces arginine, which is basic and polar, with glycine, which is neutral and non-polar, at codon 2010 of the ATM protein (p.Arg2010Gly). This variant is not present in population databases (gnomAD no frequency). This missense change has been observed in individual(s) with ovarian cancer (PMID: 37013556). ClinVar contains an entry for this variant (Variation ID: 1492187). Invitae Evidence Modeling of protein sequence and biophysical properties (such as structural, functional, and spatial information, amino acid conservation, physicochemical variation, residue mobility, and thermodynamic stability) indicates that this missense variant is not expected to disrupt ATM protein function with a negative predictive value of 95%. In summary, the available evidence is currently insufficient to determine the role of this variant in disease. Therefore, it has been classified as a Variant of Uncertain Significance.

Literature cited by the submitters: PubMed 37013556.